The following is an entry in ClinVar:

ClinVar aggregate classification (germline): Pathogenic (1 of 4 stars; one submission).

Conditions:
Familial hemophagocytic lymphohistiocytosis 5. Also called: STXBP2-Related Familial Hemophagocytic Lymphohistiocytosis (STXBP2-fHLH). Identifiers: Orphanet 540, MedGen C2751293, MONDO:0013135, OMIM 613101.

Submission:

Labcorp Genetics (formerly Invitae), Labcorp
Classification: Pathogenic for Familial hemophagocytic lymphohistiocytosis 5. Last evaluated: 2023-07-13. Review status: criteria provided, single submitter. Criteria: Invitae Variant Classification Sherloc (09022015). Collection method: clinical testing. Allele origin: germline.
Comment: This sequence change creates a premature translational stop signal (p.Ala237Trpfs*13) in the STXBP2 gene. It is expected to result in an absent or disrupted protein product. Loss-of-function variants in STXBP2 are known to be pathogenic (PMID: 19804848, 22451424). For these reasons, this variant has been classified as Pathogenic. This variant has not been reported in the literature in individuals affected with STXBP2-related conditions. This variant is not present in population databases (gnomAD no frequency).

Literature cited by the submitters: PubMed 19804848; PubMed 22451424.

NM_006949.4(STXBP2):c.708_794delinsCTGGAACGTGAGCTCATGCA (p.Ala237fs)

Gene: STXBP2 (syntaxin binding protein 2; plus strand). Cytogenetic location: 19p13.2.
Variant type: Indel.
Coding change: c.708_794delinsCTGGAACGTGAGCTCATGCA on transcript NM_006949.4 (MANE Select); coding-DNA positions 708 to 794, the reference bases replaced by CTGGAACGTGAGCTCATGCA.
Protein change: p.Ala237fs; shifts the reading frame from alanine 237.
Molecular consequence: frameshift variant. On other transcripts: non-coding transcript variant (1).
Genome position (GRCh38, 1-based): chr19:7,642,247-7,642,333, 87 bases replaced. GRCh37 (hg19): chr19:7,707,133-7,707,219.
Other names: c.699_785delinsCTGGAACGTGAGCTCATGCA, p.Ala234fs (NM_001127396.3); c.741_827delinsCTGGAACGTGAGCTCATGCA, p.Ala248fs (NM_001272034.2); c.612_698delinsCTGGAACGTGAGCTCATGCA, p.Ala205fs (NM_001414484.1); short protein forms A237fs, A248fs, A205fs, A234fs.
Identifiers: ClinVar variation 2743139 (VCV002743139.3), dbSNP rs2512697589, ClinGen allele CA2697556199.